The following is an entry in ClinVar:

ClinVar aggregate classification (germline): Uncertain significance. Review status: criteria provided, multiple submitters, no conflicts (2 of 4 stars). 2 submissions from 2 submitters: Uncertain significance (2). Last evaluated 2026-03-21.

Conditions:
RPGRIP1L-related disorder. Also called: RPGRIP1L-related disorders; RPGRIP1L-related condition. Identifiers: MedGen CN239416.
Meckel-Gruber syndrome. Also called: DYSENCEPHALIA SPLANCHNOCYSTICA; GRUBER SYNDROME; Dysencephalia splachnocystica. Identifiers: Orphanet 564, MedGen C0265215, MONDO:0018921.
Joubert syndrome. Also called: Familial aplasia of the vermis; JOUBERT-BOLTSHAUSER SYNDROME. Identifiers: Orphanet 475, MedGen C5979921, MONDO:0018772.

Allele frequency attached by ClinVar (database versions not stated): gnomAD exomes below 0.00001.
gnomAD v4.1: 1 of 1,614,002 alleles (0.000062%); highest among the groups gnomAD compares: Non-Finnish European, 0.000085%; no homozygotes.

Submissions (2):

PreventionGenetics, part of Exact Sciences
Classification: Uncertain significance for RPGRIP1L-related condition. Last evaluated: 2026-03-21. Review status: criteria provided, single submitter. Criteria: ACMG Guidelines, 2015. Collection method: clinical testing. Allele origin: germline.
Comment: The RPGRIP1L c.2273C>T variant is predicted to result in the amino acid substitution p.Ser758Leu. To our knowledge, this variant has not been reported in the literature or in a large population database (gnomAD), indicating this variant is rare. At this time, the clinical significance of this variant is uncertain due to the absence of conclusive functional and genetic evidence.

Labcorp Genetics (formerly Invitae), Labcorp
Classification: Uncertain significance for Joubert syndrome; Meckel-Gruber syndrome. Last evaluated: 2023-05-08. Review status: criteria provided, single submitter. Criteria: Invitae Variant Classification Sherloc (09022015). Collection method: clinical testing. Allele origin: germline.
Comment: Algorithms developed to predict the effect of sequence changes on RNA splicing suggest that this variant may create or strengthen a splice site. In summary, the available evidence is currently insufficient to determine the role of this variant in disease. Therefore, it has been classified as a Variant of Uncertain Significance. Advanced modeling of protein sequence and biophysical properties (such as structural, functional, and spatial information, amino acid conservation, physicochemical variation, residue mobility, and thermodynamic stability) performed at Invitae indicates that this missense variant is not expected to disrupt RPGRIP1L protein function. This sequence change replaces serine, which is neutral and polar, with leucine, which is neutral and non-polar, at codon 758 of the RPGRIP1L protein (p.Ser758Leu). This variant is not present in population databases (gnomAD no frequency). This variant has not been reported in the literature in individuals affected with RPGRIP1L-related conditions. ClinVar contains an entry for this variant (Variation ID: 2009225).

NM_015272.5(RPGRIP1L):c.2273C>T (p.Ser758Leu)

Gene: RPGRIP1L (RPGRIP1 like; minus strand). Cytogenetic location: 16q12.2.
Variant type: single nucleotide variant.
Coding change: c.2273C>T on transcript NM_015272.5 (MANE Select); coding-DNA position 2273, C replaced by T.
Protein change: p.Ser758Leu; replaces serine 758 with leucine.
Molecular consequence: missense variant.
Genome position (GRCh38, 1-based): chr16:53,648,995, G>A on the plus strand (C>T on the coding strand, the complement: RPGRIP1L is on the minus strand). VCF-style: chr16-53648995-G-A. GRCh37 (hg19) VCF-style: chr16-53682907-G-A.
Other names: c.2273C>T (NM_015272.4); c.2273C>T, p.Ser758Leu (NM_001127897.4, NM_001308334.3, NM_001330538.2); short protein forms S758L.
Identifiers: ClinVar variation 2009225 (VCV002009225.5), dbSNP rs2544153383, ClinGen allele CA395915422.